The following is an entry in ClinVar:

ClinVar aggregate classification (germline): Uncertain significance (1 of 4 stars; one submission).

Conditions:
Charcot-Marie-Tooth disease axonal type 2O. Also called: CHARCOT-MARIE-TOOTH NEUROPATHY, AXONAL, TYPE 2O; CHARCOT-MARIE-TOOTH DISEASE, AXONAL, AUTOSOMAL DOMINANT, TYPE 2O; Charcot-Marie-Tooth Neuropathy Type 2O; Charcot-Marie-Tooth disease, axonal, type 20. Identifiers: Orphanet 284232, MedGen C3280220, MONDO:0013644, OMIM 614228.

Allele frequency attached by ClinVar (database versions not stated): gnomAD exomes below 0.00001.
gnomAD v4.1: 1 of 1,561,664 alleles (0.000064%); highest among the groups gnomAD compares: South Asian, 0.0011%; no homozygotes.

Submission:

Labcorp Genetics (formerly Invitae), Labcorp
Classification: Uncertain significance for Charcot-Marie-Tooth disease axonal type 2O. Last evaluated: 2024-10-24. Review status: criteria provided, single submitter. Criteria: Invitae Variant Classification Sherloc (09022015). Collection method: clinical testing. Allele origin: germline.
Comment: This sequence change replaces asparagine, which is neutral and polar, with serine, which is neutral and polar, at codon 4571 of the DYNC1H1 protein (p.Asn4571Ser). This variant is not present in population databases (gnomAD no frequency). This variant has not been reported in the literature in individuals affected with DYNC1H1-related conditions. ClinVar contains an entry for this variant (Variation ID: 2099090). Invitae Evidence Modeling of protein sequence and biophysical properties (such as structural, functional, and spatial information, amino acid conservation, physicochemical variation, residue mobility, and thermodynamic stability) indicates that this missense variant is not expected to disrupt DYNC1H1 protein function with a negative predictive value of 95%. In summary, the available evidence is currently insufficient to determine the role of this variant in disease. Therefore, it has been classified as a Variant of Uncertain Significance.

NM_001376.5(DYNC1H1):c.13712A>G (p.Asn4571Ser)

Gene: DYNC1H1 (dynein cytoplasmic 1 heavy chain 1; plus strand). Cytogenetic location: 14q32.31.
Variant type: single nucleotide variant.
Coding change: c.13712A>G on transcript NM_001376.5 (MANE Select); coding-DNA position 13712, A replaced by G.
Protein change: p.Asn4571Ser; replaces asparagine 4571 with serine.
Molecular consequence: missense variant.
Genome position (GRCh38, 1-based): chr14:102,050,098, A>G. VCF-style: chr14-102050098-A-G. GRCh37 (hg19) VCF-style: chr14-102516435-A-G.
Other names: short protein forms N4571S.
Identifiers: ClinVar variation 2099090 (VCV002099090.4), dbSNP rs2503891447, ClinGen allele CA391051450.